The following is an entry in ClinVar:

ClinVar aggregate classification (germline): Uncertain significance (1 of 4 stars; one submission).

Allele frequency attached by ClinVar (database versions not stated): TOPMed 0.00003; ExAC 0.00008.
gnomAD v4.1: 30 of 1,603,610 alleles (0.0019%); highest among the groups gnomAD compares: Admixed American, 0.051%; no homozygotes.

Submission:

Labcorp Genetics (formerly Invitae), Labcorp
Classification: Uncertain significance. Last evaluated: 2022-08-07. Review status: criteria provided, single submitter. Criteria: Invitae Variant Classification Sherloc (09022015). Collection method: clinical testing. Allele origin: germline.
Comment: This sequence change replaces alanine, which is neutral and non-polar, with serine, which is neutral and polar, at codon 392 of the FLAD1 protein (p.Ala392Ser). This variant is present in population databases (rs759840345, gnomAD 0.09%). This variant has not been reported in the literature in individuals affected with FLAD1-related conditions. Algorithms developed to predict the effect of missense changes on protein structure and function output the following: SIFT: "Tolerated"; PolyPhen-2: "Benign"; Align-GVGD: "Class C0". The serine amino acid residue is found in multiple mammalian species, which suggests that this missense change does not adversely affect protein function. Algorithms developed to predict the effect of sequence changes on RNA splicing suggest that this variant may create or strengthen a splice site. In summary, the available evidence is currently insufficient to determine the role of this variant in disease. Therefore, it has been classified as a Variant of Uncertain Significance.

NM_025207.5(FLAD1):c.1174G>T (p.Ala392Ser)

Gene: FLAD1 (flavin adenine dinucleotide synthetase 1; plus strand). Cytogenetic location: 1q21.3.
Variant type: single nucleotide variant.
Coding change: c.1174G>T on transcript NM_025207.5 (MANE Select); coding-DNA position 1174, G replaced by T.
Protein change: p.Ala392Ser; replaces alanine 392 with serine.
Molecular consequence: missense variant.
Genome position (GRCh38, 1-based): chr1:154,989,616, G>T. VCF-style: chr1-154989616-G-T. GRCh37 (hg19) VCF-style: chr1-154962092-G-T.
Other names: c.883G>T, p.Ala295Ser (NM_001184891.2, NM_201398.3); short protein forms A392S, A295S.
Identifiers: ClinVar variation 1908326 (VCV001908326.2), dbSNP rs759840345, ClinGen allele CA1134497.
Genomic context (GRCh38, chr1:154,989,616, plus strand): 5'-GCAGGGTCTTCTTTGGGGAAAAAGGTGGCAGGTGCCCTACAGACCATTGAGACCTCCCTG[G>T]CTCAGTACAGCCTCACCCAGCTCTGTGTGGGCTTCAACGGGGGCAAAGACTGCACTGCCC-3'
Protein context (NP_079483.3, residues 382-402): GALQTIETSL[Ala392Ser]QYSLTQLCVG